The following is an entry in ClinVar:

NM_005138.3(SCO2):c.724G>C (p.Gly242Arg)

Genes: SCO2 (synthesis of cytochrome C oxidase 2; minus strand), NCAPH2 (non-SMC condensin II complex subunit H2; plus strand). Cytogenetic location: 22q13.33.
Variant type: single nucleotide variant.
Coding change: c.724G>C on transcript NM_005138.3 (MANE Select); coding-DNA position 724, G replaced by C.
Protein change: p.Gly242Arg; replaces glycine 242 with arginine.
Molecular consequence: missense variant. On other transcripts: 3 prime UTR variant (2).
Genome position (GRCh38, 1-based): chr22:50,523,688, C>G on the plus strand (G>C on the coding strand, the complement: SCO2 is on the minus strand). VCF-style: chr22-50523688-C-G. GRCh37 (hg19) VCF-style: chr22-50962117-C-G.
Other names: c.*313C>G (NM_001185011.2, NM_152299.4); c.724G>C, p.Gly242Arg (NM_001169109.2, NM_001169110.1, NM_001169111.2); c.724G>C (NM_005138.2); short protein forms G242R.
Identifiers: ClinVar variation 2154459 (VCV002154459.4), dbSNP rs200610534, ClinGen allele CA412190474.
Genomic context (GRCh38, chr22:50,523,688, plus strand): 5'-GGAAAGCCGCCATGTGCCGCCGCACACTGTCTGAGATCTGCTCAGCCGATCTGCTCCGGC[C>G]GTAGTAATCCGTGAAGAGGCCGTCAGGGTTGAGCAGGTAGATGGCAATGGAGTGGTCCAC-3'
Protein context (NP_005129.2, residues 232-252): NPDGLFTDYY[Gly242Arg]RSRSAEQISD

ClinVar aggregate classification (germline): Uncertain significance. Review status: criteria provided, multiple submitters, no conflicts (2 of 4 stars). 3 submissions from 3 submitters: Uncertain significance (3). Last evaluated 2023-11-17.

Conditions:
Cardioencephalomyopathy, fatal infantile, due to cytochrome c oxidase deficiency 1 (MC4DN2). Also called: CYTOCHROME c OXIDASE DEFICIENCY, FATAL INFANTILE, WITH CARDIOENCEPHALOMYOPATHY; MITOCHONDRIAL COMPLEX IV DEFICIENCY, NUCLEAR TYPE 2. Identifiers: Orphanet 1561, MedGen C5399977, MONDO:0011451, OMIM 604377.
Myopia 6 (MYP6). Identifiers: MedGen C1837148, MONDO:0012154, OMIM 608908.

gnomAD v4.1: 25 of 1,613,962 alleles (0.0015%); highest among the groups gnomAD compares: Non-Finnish European, 0.0019%; no homozygotes.

Submissions (3):

GeneDx
Classification: Uncertain significance. Last evaluated: 2023-11-17. Review status: criteria provided, single submitter. Criteria: GeneDx Variant Classification Process June 2021. Collection method: clinical testing. Allele origin: germline. Affected: yes.
Comment: Not observed at significant frequency in large population cohorts (gnomAD); In silico analysis supports that this missense variant has a deleterious effect on protein structure/function; Has not been previously published as pathogenic or benign to our knowledge

Labcorp Genetics (formerly Invitae), Labcorp
Classification: Uncertain significance. Last evaluated: 2022-05-05. Review status: criteria provided, single submitter. Criteria: Invitae Variant Classification Sherloc (09022015). Collection method: clinical testing. Allele origin: germline.
Comment: This sequence change replaces glycine, which is neutral and non-polar, with arginine, which is basic and polar, at codon 242 of the SCO2 protein (p.Gly242Arg). This variant is present in population databases (no rsID available, gnomAD 0.01%). This variant has not been reported in the literature in individuals affected with SCO2-related conditions. Algorithms developed to predict the effect of missense changes on protein structure and function are either unavailable or do not agree on the potential impact of this missense change (SIFT: "Deleterious"; PolyPhen-2: "Probably Damaging"; Align-GVGD: "Class C0"). In summary, the available evidence is currently insufficient to determine the role of this variant in disease. Therefore, it has been classified as a Variant of Uncertain Significance.

Department of Pathology and Laboratory Medicine, Sinai Health System
Classification: Uncertain significance for Cardioencephalomyopathy, fatal infantile, due to cytochrome c oxidase deficiency 1; Myopia 6. Last evaluated: 2021-11-09. Review status: criteria provided, single submitter. Criteria: ACMG Guidelines, 2015. Collection method: research. Allele origin: germline.